The following is an entry in ClinVar:

ClinVar aggregate classification (germline): Pathogenic. Review status: criteria provided, single submitter (1 of 4 stars). 4 submissions from 4 submitters: Pathogenic (1). 3 of the submissions do not count toward it. Last evaluated 2017-09-01.

Conditions:
Leukodystrophy, hypomyelinating, 2. Also called: PELIZAEUS-MERZBACHER-LIKE DISEASE, 1. Identifiers: Orphanet 280270, Orphanet 280282, MedGen C1837355, MONDO:0012125, OMIM 608804.

Allele frequency attached by ClinVar (database versions not stated): gnomAD 0.00001; gnomAD exomes 0.00001.
gnomAD v4.1: 4 of 1,611,772 alleles (0.00025%); highest among the groups gnomAD compares: South Asian, 0.0011%; no homozygotes.

Submissions (4):

Baylor Genetics
Classification: Pathogenic for Leukodystrophy, hypomyelinating, 2. Last evaluated: 2017-09-01. Review status: criteria provided, single submitter. Criteria: ACMG Guidelines, 2015. Collection method: clinical testing. Allele origin: paternal. Inheritance: Autosomal recessive inheritance. Affected: yes.

OMIM
Classification: Pathogenic for LEUKODYSTROPHY, HYPOMYELINATING, 2. Last evaluated: 2007-04-01. Review status: no assertion criteria provided. Collection method: literature only. Allele origin: germline. Not counted in ClinVar's aggregate classification.

Clinical Genetics DNA and cytogenetics Diagnostics Lab, Erasmus MC, Erasmus Medical Center
Classification: Pathogenic. Review status: no assertion criteria provided. Collection method: clinical testing. Allele origin: germline. Affected: yes. Study: VKGL Data-share Consensus. Not counted in ClinVar's aggregate classification.

Joint Genome Diagnostic Labs from Nijmegen and Maastricht, Radboudumc and MUMC+
Classification: Pathogenic. Review status: no assertion criteria provided. Collection method: clinical testing. Allele origin: germline. Affected: yes. Study: VKGL Data-share Consensus. Not counted in ClinVar's aggregate classification.

Literature cited by the submitters: PubMed 15192806 (cited by Baylor Genetics and OMIM); PubMed 25326635 (cited by Baylor Genetics); PubMed 17344063 (cited by OMIM).

NM_020435.4(GJC2):c.718C>T (p.Arg240Ter)

Gene: GJC2 (gap junction protein gamma 2; plus strand). Cytogenetic location: 1q42.13.
Variant type: single nucleotide variant.
Coding change: c.718C>T on transcript NM_020435.4 (MANE Select); coding-DNA position 718, C replaced by T.
Protein change: p.Arg240Ter; replaces arginine 240 with a stop codon.
Molecular consequence: nonsense.
Genome position (GRCh38, 1-based): chr1:228,158,476, C>T. VCF-style: chr1-228158476-C-T. GRCh37 (hg19) VCF-style: chr1-228346177-C-T.
Other names: short protein forms R240*.
Identifiers: ClinVar variation 2074 (VCV000002074.6), dbSNP rs74315313, ClinGen allele CA115333.